The following is an entry in ClinVar:

ClinVar aggregate classification (germline): Pathogenic/Likely pathogenic. Review status: criteria provided, multiple submitters, no conflicts (2 of 4 stars). 4 submissions from 4 submitters: Pathogenic (1); Likely pathogenic (3). Last evaluated 2025-07-09.

Conditions:
Retinitis pigmentosa 69 (RP69). Identifiers: Orphanet 791, MedGen C4014312, MONDO:0014345, OMIM 615780.
KIZ-related disorder. Also called: KIZ-related condition.

Submissions (4):

First Genomix Gene Laboratory, Genetic Diagnostics Department
Classification: Likely pathogenic for Retinitis pigmentosa 69. Last evaluated: 2025-07-09. Review status: criteria provided, single submitter. Criteria: ACMG Guidelines, 2015. Collection method: clinical testing. Allele origin: germline. Inheritance: Autosomal recessive inheritance. Affected: no. Observed: 1 variant allele.

Revvity Omics, Revvity
Classification: Likely pathogenic for Retinitis pigmentosa 69. Last evaluated: 2024-08-29. Review status: criteria provided, single submitter. Criteria: ACMG Guidelines, 2015. Collection method: clinical testing. Allele origin: germline.

Labcorp Genetics (formerly Invitae), Labcorp
Classification: Pathogenic. Last evaluated: 2023-08-04. Review status: criteria provided, single submitter. Criteria: Invitae Variant Classification Sherloc (09022015). Collection method: clinical testing. Allele origin: germline.
Comment: For these reasons, this variant has been classified as Pathogenic. This sequence change creates a premature translational stop signal (p.Val136Glyfs*8) in the KIZ gene. It is expected to result in an absent or disrupted protein product. Loss-of-function variants in KIZ are known to be pathogenic (PMID: 24680887, 29057815). This variant is not present in population databases (gnomAD no frequency). This variant has not been reported in the literature in individuals affected with KIZ-related conditions. This variant is also known as c.405+1_405+2insG . ClinVar contains an entry for this variant (Variation ID: 2416920).

Blueprint Genetics
Classification: Likely pathogenic for KIZ-related disorders. Last evaluated: 2022-02-16. Review status: criteria provided, single submitter. Criteria: ACMG Guidelines, 2015. Collection method: clinical testing. Allele origin: germline. Affected: yes. Observed: 5 variant alleles.

Literature cited by the submitters: PubMed 24680887 (cited by Labcorp Genetics (formerly Invitae), Labcorp); PubMed 29057815 (cited by Labcorp Genetics (formerly Invitae), Labcorp).

NM_018474.6(KIZ):c.405+1dup

Gene: KIZ (kizuna centrosomal protein; plus strand). Cytogenetic location: 20p11.23.
Variant type: Duplication.
Coding change: c.405+1dup on transcript NM_018474.6 (MANE Select); the canonical splice donor site of the intron after coding-DNA position 405, one base duplicated (G; older notation c.405+1dupG).
Molecular consequence: splice donor variant. On other transcripts: intron variant (1).
Genome position (GRCh38, 1-based): chr20:21,145,655, G duplicated; the last of 2 consecutive G bases (chr20:21,145,654-21,145,655); duplicating either gives the same sequence. VCF-style (leftmost placement, unchanged base first): chr20-21145653-A-AG. GRCh37 (hg19) VCF-style: chr20-21126294-A-AG.
Other names: c.405+1dupG (NM_018474.6); c.258+1dup (NM_001276389.2); c.63+1dup (NM_001352436.2); c.405+1dup (NM_001352434.2); c.96+1dup (NM_001163022.3, NM_001352435.2); c.6+13496dup (NM_001163023.3).
Identifiers: ClinVar variation 2416920 (VCV002416920.9), dbSNP rs1444145965, ClinGen allele CA742028702.